The following is an entry in ClinVar:

NM_000540.3(RYR1):c.12291C>A (p.Asp4097Glu)

Gene: RYR1 (ryanodine receptor 1; plus strand). Cytogenetic location: 19q13.2.
Variant type: single nucleotide variant.
Coding change: c.12291C>A on transcript NM_000540.3 (MANE Select); coding-DNA position 12291, C replaced by A.
Protein change: p.Asp4097Glu; replaces aspartic acid 4097 with glutamic acid.
Molecular consequence: missense variant.
Genome position (GRCh38, 1-based): chr19:38,561,121, C>A. VCF-style: chr19-38561121-C-A. GRCh37 (hg19) VCF-style: chr19-39051761-C-A.
Other names: c.12276C>A, p.Asp4092Glu (NM_001042723.2); c.12291C>A (NM_000540.2); short protein forms D4092E, D4097E.
Identifiers: ClinVar variation 1015968 (VCV001015968.6), dbSNP rs749610835, ClinGen allele CA058663.

ClinVar aggregate classification (germline): Uncertain significance. Review status: criteria provided, multiple submitters, no conflicts (2 of 4 stars). 5 submissions from 5 submitters: Uncertain significance (5). Last evaluated 2025-07-25.

Conditions:
RYR1-related disorder. Also called: RYR1-related disorders; RYR1-related condition. Identifiers: MedGen CN239331.
Inborn genetic diseases. Identifiers: MedGen C0950123, MeSH D030342.
Malignant hyperthermia, susceptibility to, 1 (MHS1). Also called: Malignant hyperthermia suceptibility 1; RYR1-Related Malignant Hyperthermia Susceptibility; Anesthesia related hyperthermia; Malignant hyperpyrexia; Fulminating hyperpyrexia; Pharmacogenic myopathy. Identifiers: Orphanet 423, MedGen C2930980, MONDO:0007783, OMIM 145600.

Allele frequency attached by ClinVar (database versions not stated): gnomAD exomes below 0.00001; ExAC 0.00001; gnomAD 0.00001; TOPMed 0.00002.
gnomAD v4.1: 5 of 1,613,924 alleles (0.00031%); highest among the groups gnomAD compares: Admixed American, 0.0017%; no homozygotes.

Submissions (5):

Color Diagnostics, LLC DBA Color Health
Classification: Uncertain significance for Malignant hyperthermia, susceptibility to, 1. Last evaluated: 2025-07-25. Review status: criteria provided, single submitter. Criteria: ACMG Guidelines, 2015. Collection method: clinical testing. Allele origin: germline.
Comment: This missense variant replaces aspartic acid with glutamic acid at codon 4097 of the RYR1 protein. Computational prediction suggests that this variant may not impact protein structure and function. To our knowledge, functional studies have not been reported for this variant. This variant has not been reported in individuals affected with RYR1-related disorders in the literature. This variant has been identified in 2/280240 chromosomes in the general population by the Genome Aggregation Database (gnomAD). The available evidence is insufficient to determine the role of this variant in disease conclusively. Therefore, this variant is classified as a Variant of Uncertain Significance.

Ambry Genetics
Classification: Uncertain significance for Inborn genetic diseases. Last evaluated: 2025-01-20. Review status: criteria provided, single submitter. Criteria: Ambry Variant Classification Scheme 2023. Collection method: clinical testing. Allele origin: germline.

ARUP Laboratories, Molecular Genetics and Genomics, ARUP Laboratories
Classification: Uncertain significance. Last evaluated: 2024-12-18. Review status: criteria provided, single submitter. Criteria: ARUP Molecular Germline Variant Investigation Process 2024. Collection method: clinical testing. Allele origin: germline.
Comment: The RYR1 c.12291C>A; p.Asp4097Glu variant (rs749610835), to our knowledge, is not reported in the medical literature but is reported in ClinVar (Variation ID: 1015968). This variant is only observed on two chromosomes (2/280,240 alleles) in the Genome Aggregation Database (v2.1.1), indicating it is not a common polymorphism. Computational analyses are uncertain whether this variant is neutral or deleterious (REVEL: 0.308). Due to limited information, the clinical significance of this variant is uncertain at this time.

All of Us Research Program, National Institutes of Health
Classification: Uncertain significance for Malignant hyperthermia, susceptibility to, 1. Last evaluated: 2024-06-11. Review status: criteria provided, single submitter. Criteria: ACMG Guidelines, 2015. Collection method: clinical testing. Allele origin: germline. Inheritance: Autosomal dominant inheritance. Observed: 1 variant allele, 1 heterozygote.
Comment: This study involves interpretation of variants in research participants for the purpose of population health screening. Participant phenotype was not available at the time of variant classification. Additional details can be found in publication PMID: 35346344, PMCID: PMC8962531

Labcorp Genetics (formerly Invitae), Labcorp
Classification: Uncertain significance for RYR1-related disorder. Last evaluated: 2022-04-03. Review status: criteria provided, single submitter. Criteria: Invitae Variant Classification Sherloc (09022015). Collection method: clinical testing. Allele origin: germline.
Comment: This sequence change replaces aspartic acid, which is acidic and polar, with glutamic acid, which is acidic and polar, at codon 4097 of the RYR1 protein (p.Asp4097Glu). This variant is present in population databases (rs749610835, gnomAD 0.003%). This variant has not been reported in the literature in individuals affected with RYR1-related conditions. ClinVar contains an entry for this variant (Variation ID: 1015968). Advanced modeling of protein sequence and biophysical properties (such as structural, functional, and spatial information, amino acid conservation, physicochemical variation, residue mobility, and thermodynamic stability) performed at Invitae indicates that this missense variant is not expected to disrupt RYR1 protein function. In summary, the available evidence is currently insufficient to determine the role of this variant in disease. Therefore, it has been classified as a Variant of Uncertain Significance.